The following is an entry in ClinVar:

NM_006662.3(SRCAP):c.4552T>G (p.Ser1518Ala)

Gene: SRCAP (Snf2 related CREBBP activator protein; plus strand). Cytogenetic location: 16p11.2.
Variant type: single nucleotide variant.
Coding change: c.4552T>G on transcript NM_006662.3 (MANE Select); coding-DNA position 4552, T replaced by G.
Protein change: p.Ser1518Ala; replaces serine 1518 with alanine.
Molecular consequence: missense variant.
Genome position (GRCh38, 1-based): chr16:30,723,976, T>G. VCF-style: chr16-30723976-T-G. GRCh37 (hg19) VCF-style: chr16-30735297-T-G.
Other names: short protein forms S1518A.
Identifiers: ClinVar variation 4688494 (VCV004688494.1).
Genomic context (GRCh38, chr16:30,723,976, plus strand): 5'-GCTTCCCCGTCAGCATCAGCCTTGACTCTAGGTTTGGCCACAGCTCCATCCCTGTCTTCA[T>G]CTCAGACACCTGGTCACCCTCTGTTGTTGGCTCCCACCTCTTCACATGTTCCAGGGTTGA-3'
Protein context (NP_006653.2, residues 1508-1528): GLATAPSLSS[Ser1518Ala]QTPGHPLLLA

ClinVar aggregate classification (germline): Uncertain significance (1 of 4 stars; one submission).

Submission:

Women's Health and Genetics/Laboratory Corporation of America, LabCorp
Classification: Uncertain significance. Last evaluated: 2025-12-08. Review status: criteria provided, single submitter. Criteria: LabCorp Variant Classification Summary - May 2015. Collection method: clinical testing. Allele origin: germline.
Comment: Variant summary: SRCAP c.4552T>G (p.Ser1518Ala) results in a conservative amino acid change in the encoded protein sequence. Algorithms developed to predict the effect of missense changes on protein structure and function all suggest that this variant is likely to be tolerated. The variant was absent in 251320 control chromosomes. The available data on variant occurrences in the general population are insufficient to allow any conclusion about variant significance. To our knowledge, no occurrence of c.4552T>G in individuals affected with SRCAP-related conditions and no experimental evidence demonstrating its impact on protein function have been reported. No submitters have cited clinical-significance assessments for this variant to ClinVar. Based on the evidence outlined above, the variant was classified as uncertain significance.